The following is an entry in ClinVar:

ClinVar aggregate classification (germline): Benign/Likely benign. Review status: criteria provided, multiple submitters, no conflicts (2 of 4 stars). 4 submissions from 4 submitters: Benign (1); Likely benign (3). Last evaluated 2025-10-14.

Conditions:
Breast-ovarian cancer, familial, susceptibility to, 4. Identifiers: Orphanet 145, MedGen C3280345, MONDO:0013669, OMIM 614291.
Hereditary cancer-predisposing syndrome. Also called: Hereditary neoplastic syndrome; Tumor predisposition; Hereditary Cancer Syndrome; Neoplastic Syndromes, Hereditary. Identifiers: Orphanet 140162, MedGen C0027672, MeSH D009386, MONDO:0015356.

Submissions (4):

Labcorp Genetics (formerly Invitae), Labcorp
Classification: Likely benign for Breast-ovarian cancer, familial, susceptibility to, 4. Last evaluated: 2025-10-14. Review status: criteria provided, single submitter. Criteria: Invitae Variant Classification Sherloc (09022015). Collection method: clinical testing. Allele origin: germline.

Myriad Genetics, Inc.
Classification: Benign for Breast-ovarian cancer, familial, susceptibility to, 4. Last evaluated: 2025-02-24. Review status: criteria provided, single submitter. Criteria: Myriad Autosomal Dominant, Autosomal Recessive and X-Linked Classification Criteria (2023). Collection method: clinical testing. Allele origin: unknown.
Comment: This variant is considered benign. This variant is a silent/synonymous amino acid change and it is not expected to impact splicing.

Ambry Genetics
Classification: Likely benign for Hereditary cancer-predisposing syndrome. Last evaluated: 2020-01-20. Review status: criteria provided, single submitter. Criteria: Ambry Variant Classification Scheme 2023. Collection method: clinical testing. Allele origin: germline.

Color Diagnostics, LLC DBA Color Health
Classification: Likely benign for Hereditary cancer-predisposing syndrome. Last evaluated: 2017-03-10. Review status: criteria provided, single submitter. Criteria: ACMG Guidelines, 2015. Collection method: clinical testing. Allele origin: germline.

NM_002878.4(RAD51D):c.720C>T (p.Asp240=)

Genes: RAD51D (RAD51 paralog D; minus strand), RAD51L3-RFFL (RAD51L3-RFFL readthrough; minus strand). Cytogenetic location: 17q12.
Variant type: single nucleotide variant.
Coding change: c.720C>T on transcript NM_002878.4 (MANE Select); coding-DNA position 720, C replaced by T.
Protein change: p.Asp240=; no amino-acid change (aspartic acid 240 retained).
Molecular consequence: synonymous variant. On other transcripts: non-coding transcript variant (3).
Genome position (GRCh38, 1-based): chr17:35,103,272, G>A on the plus strand (C>T on the coding strand, the complement: RAD51D is on the minus strand). VCF-style: chr17-35103272-G-A. GRCh37 (hg19) VCF-style: chr17-33430291-G-A.
Other names: c.780C>T, p.Asp260= (NM_001142571.2); c.384C>T, p.Asp128= (NM_133629.3).
Identifiers: ClinVar variation 492440 (VCV000492440.9), dbSNP rs1555567499, ClinGen allele CA499730314.